The following is an entry in ClinVar:

ClinVar aggregate classification (germline): Pathogenic. Review status: criteria provided, multiple submitters, no conflicts (2 of 4 stars). 2 submissions from 2 submitters: Pathogenic (2). Last evaluated 2023-12-06.

Conditions:
Spastic paraplegia. Identifiers: MedGen C0037772, HP:0001258.

Allele frequency attached by ClinVar (database versions not stated): gnomAD 0.00001; gnomAD exomes 0.00001; TOPMed 0.00003.
gnomAD v4.1: 4 of 1,553,246 alleles (0.00026%); highest among the groups gnomAD compares: Non-Finnish European, 0.00035%; no homozygotes.

Submissions (2):

Labcorp Genetics (formerly Invitae), Labcorp
Classification: Pathogenic for Spastic paraplegia. Last evaluated: 2023-12-06. Review status: criteria provided, single submitter. Criteria: Invitae Variant Classification Sherloc (09022015). Collection method: clinical testing. Allele origin: germline.
Comment: This sequence change creates a premature translational stop signal (p.Tyr114*) in the CYP2U1 gene. It is expected to result in an absent or disrupted protein product. Loss-of-function variants in CYP2U1 are known to be pathogenic (PMID: 23176821, 26936192, 27292318). This variant is not present in population databases (gnomAD no frequency). This variant has not been reported in the literature in individuals affected with CYP2U1-related conditions. ClinVar contains an entry for this variant (Variation ID: 489169). For these reasons, this variant has been classified as Pathogenic.

GeneDx
Classification: Pathogenic. Last evaluated: 2019-11-01. Review status: criteria provided, single submitter. Criteria: GeneDx Variant Classification Process June 2021. Collection method: clinical testing. Allele origin: germline. Affected: yes.
Comment: Nonsense variant predicted to result in protein truncation or nonsense mediated decay in a gene for which loss-of-function is a known mechanism of disease; Not observed at a significant frequency in large population cohorts (Lek et al., 2016); Has not been previously published as pathogenic or benign to our knowledge

Literature cited by the submitters: PubMed 23176821 (cited by Labcorp Genetics (formerly Invitae), Labcorp); PubMed 26936192 (cited by Labcorp Genetics (formerly Invitae), Labcorp); PubMed 27292318 (cited by Labcorp Genetics (formerly Invitae), Labcorp).

NM_183075.3(CYP2U1):c.342C>A (p.Tyr114Ter)

Genes: CYP2U1 (cytochrome P450 family 2 subfamily U member 1; plus strand), CYP2U1-AS1 (CYP2U1 and SGMS2 antisense RNA 1; minus strand). Cytogenetic location: 4q25.
Variant type: single nucleotide variant.
Coding change: c.342C>A on transcript NM_183075.3 (MANE Select); coding-DNA position 342, C replaced by A.
Protein change: p.Tyr114Ter; replaces tyrosine 114 with a stop codon.
Molecular consequence: nonsense. On other transcripts: non-coding transcript variant (1).
Genome position (GRCh38, 1-based): chr4:107,931,985, C>A. VCF-style: chr4-107931985-C-A. GRCh37 (hg19) VCF-style: chr4-108853141-C-A.
Other names: short protein forms Y114*.
Identifiers: ClinVar variation 489169 (VCV000489169.7), dbSNP rs1021034246, ClinGen allele CA102859781.